The following is an entry in ClinVar:

ClinVar aggregate classification (germline): Uncertain significance (1 of 4 stars; one submission).

Conditions:
Leigh syndrome (NULS). Also called: Leigh's necrotizing encephalopathy; Leigh's disease; Leigh Syndrome (mtDNA deletion); Leigh Disease; Subacute necrotizing encephalopathy; Necrotizing encephalopathy infantile subacute of Leigh. Identifiers: Orphanet 506, MedGen C2931891, MONDO:0009723, OMIM 256000.

Submission:

Wong Mito Lab, Molecular and Human Genetics, Baylor College of Medicine
Classification: Uncertain significance for Leigh syndrome. Last evaluated: 2019-10-17. Review status: criteria provided, single submitter. Criteria: Modified ACMG Guidelines (Unpublished). Collection method: clinical testing. Allele origin: germline.
Comment: The NC_012920.1:m.13027C>A (YP_003024036.1:p.Pro231Thr) variant in MTND5 gene is interpretated to be a Uncertain Significance variant based on the modified ACMG guidelines (unpublished). This variant meets the following evidence codes: PP7

NC_012920.1(MT-ND5):m.13027C>A

Gene: MT-ND5 (mitochondrially encoded NADH dehydrogenase 5; plus strand).
Variant type: single nucleotide variant.
Genome position: chrM-13027-C-A.
Identifiers: ClinVar variation 693511 (VCV000693511.1), dbSNP rs1603224008, ClinGen allele CA414815975.